The following is an entry in ClinVar:

NM_005560.6(LAMA5):c.3364C>T (p.Gln1122Ter)

Gene: LAMA5 (laminin subunit alpha 5; minus strand). Cytogenetic location: 20q13.33.
Variant type: single nucleotide variant.
Coding change: c.3364C>T on transcript NM_005560.6 (MANE Select); coding-DNA position 3364, C replaced by T.
Protein change: p.Gln1122Ter; replaces glutamine 1122 with a stop codon.
Molecular consequence: nonsense.
Genome position (GRCh38, 1-based): chr20:62,332,636, G>A on the plus strand (C>T on the coding strand, the complement: LAMA5 is on the minus strand). VCF-style: chr20-62332636-G-A. GRCh37 (hg19) VCF-style: chr20-60907692-G-A.
Other names: short protein forms Q1122*.
Identifiers: ClinVar variation 3117515 (VCV003117515.1), dbSNP rs1980698221, ClinGen allele CA409568149.

ClinVar aggregate classification (germline): Pathogenic (1 of 4 stars; one submission).

Conditions:
Inborn genetic diseases. Identifiers: MedGen C0950123, MeSH D030342.

Submission:

Ambry Genetics
Classification: Pathogenic for Inborn genetic diseases. Last evaluated: 2023-10-16. Review status: criteria provided, single submitter. Criteria: Ambry Variant Classification Scheme 2023. Collection method: clinical testing. Allele origin: germline.
Comment: The c.3364C>T (p.Q1122*) alteration, located in exon 27 (coding exon 27) of the LAMA5 gene, consists of a C to T substitution at nucleotide position 3364. This changes the amino acid from a glutamine (Q) to a stop codon at amino acid position 1122. This alteration is expected to result in loss of function by premature protein truncation or nonsense-mediated mRNA decay. This variant was not reported in population-based cohorts in the Genome Aggregation Database (gnomAD). Based on the available evidence, this alteration is classified as pathogenic.